The following is an entry in ClinVar:

NM_001393504.1(MAST3):c.3767T>C (p.Leu1256Pro)

Gene: MAST3 (microtubule associated serine/threonine kinase 3; plus strand). Cytogenetic location: 19p13.11.
Variant type: single nucleotide variant.
Coding change: c.3767T>C on transcript NM_001393504.1 (MANE Select); coding-DNA position 3767, T replaced by C.
Protein change: p.Leu1256Pro; replaces leucine 1256 with proline.
Molecular consequence: missense variant.
Genome position (GRCh38, 1-based): chr19:18,149,449, T>C. VCF-style: chr19-18149449-T-C. GRCh37 (hg19) VCF-style: chr19-18260259-T-C.
Other names: c.3770T>C, p.Leu1257Pro (NM_001393502.1); c.3767T>C, p.Leu1256Pro (NM_001393503.1); c.3737T>C, p.Leu1246Pro (NM_001393505.1); c.3719T>C, p.Leu1240Pro (NM_001393506.1, NM_001393507.1); c.3701T>C, p.Leu1234Pro (NM_001393508.1); c.3698T>C, p.Leu1233Pro (NM_001393509.1, NM_001393510.1); c.3695T>C, p.Leu1232Pro (NM_001393511.1, NM_001393512.1); c.3692T>C, p.Leu1231Pro (NM_001393513.1); and 9 more; short protein forms L1209P, L1217P, L1218P, L1223P, L1224P, L1225P, L1226P, L1227P.
Identifiers: ClinVar variation 3061521 (VCV003061521.3), dbSNP rs2513523007, ClinGen allele CA404797935.

ClinVar aggregate classification (germline): Uncertain significance (1 of 4 stars; one submission).

Conditions:
MAST3-related disorder.

Submission:

PreventionGenetics, part of Exact Sciences
Classification: Uncertain significance for MAST3-related condition. Last evaluated: 2024-11-05. Review status: criteria provided, single submitter. Criteria: ACMG Guidelines, 2015. Collection method: clinical testing. Allele origin: germline.
Comment: The MAST3 c.3653T>C variant is predicted to result in the amino acid substitution p.Leu1218Pro. To our knowledge, this variant has not been reported in the literature or in a large population database (gnomAD), indicating this variant is rare. At this time, the clinical significance of this variant is uncertain due to the absence of conclusive functional and genetic evidence.